The following is an entry in ClinVar:

NM_001127222.2(CACNA1A):c.433T>G (p.Cys145Gly)

Gene: CACNA1A (calcium voltage-gated channel subunit alpha1 A; minus strand). Cytogenetic location: 19p13.13.
Variant type: single nucleotide variant.
Coding change: c.433T>G on transcript NM_001127222.2 (MANE Select); coding-DNA position 433, T replaced by G.
Protein change: p.Cys145Gly; replaces cysteine 145 with glycine.
Molecular consequence: missense variant.
Genome position (GRCh38, 1-based): chr19:13,452,982, A>C on the plus strand (T>G on the coding strand, the complement: CACNA1A is on the minus strand). VCF-style: chr19-13452982-A-C. GRCh37 (hg19) VCF-style: chr19-13563796-A-C.
Other names: c.433T>G, p.Cys145Gly (NM_000068.4, NM_001127221.2, NM_001174080.2 and 1 more transcripts); short protein forms C145G.
Identifiers: ClinVar variation 1395604 (VCV001395604.7), dbSNP rs2144936384, ClinGen allele CA404967644.

ClinVar aggregate classification (germline): Uncertain significance. Review status: criteria provided, multiple submitters, no conflicts (2 of 4 stars). 2 submissions from 2 submitters: Uncertain significance (2). Last evaluated 2023-06-15.

Conditions:
Episodic ataxia type 2 (EA2). Also called: ATAXIA, EPISODIC, WITH NYSTAGMUS; ATAXIA, FAMILIAL PAROXYSMAL; CEREBELLAR ATAXIA, PAROXYSMAL, ACETAZOLAMIDE-RESPONSIVE; CEREBELLOPATHY, HEREDITARY PAROXYSMAL; EPISODIC ATAXIA, NYSTAGMUS-ASSOCIATED; ACETAZOLAMIDE-RESPONSIVE HEREDITARY PAROXYSMAL CEREBELLAR ATAXIA. Identifiers: Orphanet 97, MedGen C1720416, MONDO:0007163, OMIM 108500.
Developmental and epileptic encephalopathy, 42 (DEE42A). Also called: EPILEPTIC ENCEPHALOPATHY, EARLY INFANTILE, 42A; DEVELOPMENTAL AND EPILEPTIC ENCEPHALOPATHY 42A; Epileptic encephalopathy, early infantile, 42. Identifiers: MedGen C4310716, MONDO:0014917, OMIM 617106.

Submissions (2):

Blueprint Genetics
Classification: Uncertain significance. Last evaluated: 2023-06-15. Review status: criteria provided, single submitter. Criteria: ACMG Guidelines, 2015. Collection method: clinical testing. Allele origin: germline.

Labcorp Genetics (formerly Invitae), Labcorp
Classification: Uncertain significance for Developmental and epileptic encephalopathy, 42; Episodic ataxia type 2. Last evaluated: 2022-08-23. Review status: criteria provided, single submitter. Criteria: Invitae Variant Classification Sherloc (09022015). Collection method: clinical testing. Allele origin: germline.
Comment: This sequence change replaces cysteine, which is neutral and slightly polar, with glycine, which is neutral and non-polar, at codon 145 of the CACNA1A protein (p.Cys145Gly). In summary, the available evidence is currently insufficient to determine the role of this variant in disease. Therefore, it has been classified as a Variant of Uncertain Significance. Advanced modeling of protein sequence and biophysical properties (such as structural, functional, and spatial information, amino acid conservation, physicochemical variation, residue mobility, and thermodynamic stability) performed at Invitae indicates that this missense variant is expected to disrupt CACNA1A protein function. ClinVar contains an entry for this variant (Variation ID: 1395604). This variant has not been reported in the literature in individuals affected with CACNA1A-related conditions. This variant is not present in population databases (gnomAD no frequency).